The following is an entry in ClinVar:

ClinVar aggregate classification (germline): Benign/Likely benign. Review status: criteria provided, multiple submitters, no conflicts (2 of 4 stars). 8 submissions from 8 submitters: Benign (4); Likely benign (2). 2 of the submissions do not count toward it. Last evaluated 2026-07-01.

Conditions:
Severe combined immunodeficiency due to CORO1A deficiency. Also called: Immunodeficiency 8; IMMUNODEFICIENCY 8 WITH LYMPHOPROLIFERATION. Identifiers: Orphanet 228003, MedGen C3809383, MONDO:0014168, OMIM 615401.

Allele frequency attached by ClinVar (database versions not stated): 1000 Genomes Project 0.00140; 1000 Genomes Project 30x 0.00172; gnomAD 0.00200 and 0.00201; TOPMed 0.00215; gnomAD exomes 0.00222 and 0.00311; ExAC 0.00248; ESP Exome Variant Server 0.00308.
gnomAD v4.1: 4,788 of 1,606,280 alleles (0.3%); highest among the groups gnomAD compares: Non-Finnish European, 0.37%; 18 homozygotes.

Submissions (8):

CeGaT Center for Human Genetics Tuebingen
Classification: Likely benign. Last evaluated: 2026-07-01. Review status: criteria provided, single submitter. Criteria: CeGaT Center For Human Genetics Tuebingen Variant Classification Criteria Version 2. Collection method: clinical testing. Allele origin: germline. Affected: yes. Observed: 7 variant alleles.
Comment: CORO1A: BP4, BS2

Women's Health and Genetics/Laboratory Corporation of America, LabCorp
Classification: Benign. Last evaluated: 2026-03-31. Review status: criteria provided, single submitter. Criteria: LabCorp Variant Classification Summary - May 2015. Collection method: clinical testing. Allele origin: germline.

Labcorp Genetics (formerly Invitae), Labcorp
Classification: Benign for Severe combined immunodeficiency due to CORO1A deficiency. Last evaluated: 2026-02-02. Review status: criteria provided, single submitter. Criteria: Invitae Variant Classification Sherloc (09022015). Collection method: clinical testing. Allele origin: germline.

Blueprint Genetics
Classification: Likely benign. Last evaluated: 2024-11-27. Review status: criteria provided, single submitter. Criteria: ACMG Guidelines, 2015. Collection method: clinical testing. Allele origin: germline.

Mayo Clinic Laboratories, Mayo Clinic
Classification: Benign. Last evaluated: 2022-10-18. Review status: criteria provided, single submitter. Criteria: ACMG Guidelines, 2015. Collection method: clinical testing. Allele origin: germline. Observed: 6 variant alleles.
Comment: BS1, BS2, BP4, BP7

Breakthrough Genomics
Classification: Benign. Review status: criteria provided, single submitter. Criteria: ACMG Guidelines, 2015. Collection method: not provided. Allele origin: germline. Inheritance: Autosomal recessive inheritance. Affected: yes.

Clinical Genetics DNA and cytogenetics Diagnostics Lab, Erasmus MC, Erasmus Medical Center
Classification: Likely benign. Review status: no assertion criteria provided. Collection method: clinical testing. Allele origin: germline. Affected: yes. Study: VKGL Data-share Consensus. Not counted in ClinVar's aggregate classification.

Genome Diagnostics Laboratory, University Medical Center Utrecht
Classification: Likely benign. Review status: no assertion criteria provided. Collection method: clinical testing. Allele origin: germline. Affected: yes. Study: VKGL Data-share Consensus. Not counted in ClinVar's aggregate classification.

NM_007074.4(CORO1A):c.738G>A (p.Gln246=)

Genes: CORO1A (coronin 1A; plus strand), LOC121587541 (Sharpr-MPRA regulatory region 7413; plus strand). Cytogenetic location: 16p11.2.
Variant type: single nucleotide variant.
Coding change: c.738G>A on transcript NM_007074.4 (MANE Select); coding-DNA position 738, G replaced by A.
Protein change: p.Gln246=; no amino-acid change (glutamine 246 retained).
Molecular consequence: synonymous variant.
Genome position (GRCh38, 1-based): chr16:30,187,483, G>A. VCF-style: chr16-30187483-G-A. GRCh37 (hg19) VCF-style: chr16-30198804-G-A.
Other names: p.Gln246=; c.738G>A, p.Gln246= (NM_001193333.3).
Identifiers: ClinVar variation 775108 (VCV000775108.41), dbSNP rs143729497, ClinGen allele CA8003218.